The following is an entry in ClinVar:

ClinVar aggregate classification (germline): Uncertain significance (1 of 4 stars; one submission).

Allele frequency attached by ClinVar (database versions not stated): gnomAD exomes below 0.00001 and 0.00001; TOPMed below 0.00001; ExAC 0.00001.

Submission:

Labcorp Genetics (formerly Invitae), Labcorp
Classification: Uncertain significance. Last evaluated: 2022-08-15. Review status: criteria provided, single submitter. Criteria: Invitae Variant Classification Sherloc (09022015). Collection method: clinical testing. Allele origin: germline.
Comment: In summary, the available evidence is currently insufficient to determine the role of this variant in disease. Therefore, it has been classified as a Variant of Uncertain Significance. Algorithms developed to predict the effect of missense changes on protein structure and function output the following: SIFT: "Deleterious"; PolyPhen-2: "Benign"; Align-GVGD: "Class C0". The proline amino acid residue is found in multiple mammalian species, which suggests that this missense change does not adversely affect protein function. ClinVar contains an entry for this variant (Variation ID: 1394033). This variant has not been reported in the literature in individuals affected with MRPS22-related conditions. This variant is present in population databases (rs775817202, gnomAD 0.0009%). This sequence change replaces arginine, which is basic and polar, with proline, which is neutral and non-polar, at codon 22 of the MRPS22 protein (p.Arg22Pro).

NM_020191.4(MRPS22):c.65G>C (p.Arg22Pro)

Genes: MRPS22 (mitochondrial ribosomal protein S22; plus strand), LOC112903839 (Sharpr-MPRA regulatory region 3993; plus strand). Cytogenetic location: 3q23.
Variant type: single nucleotide variant.
Coding change: c.65G>C on transcript NM_020191.4 (MANE Select); coding-DNA position 65, G replaced by C.
Protein change: p.Arg22Pro; replaces arginine 22 with proline.
Molecular consequence: missense variant.
Genome position (GRCh38, 1-based): chr3:139,344,091, G>C. VCF-style: chr3-139344091-G-C. GRCh37 (hg19) VCF-style: chr3-139062933-G-C.
Other names: c.65G>C, p.Arg22Pro (NM_001363893.1); short protein forms R22P.
Identifiers: ClinVar variation 1394033 (VCV001394033.6), dbSNP rs775817202, ClinGen allele CA2640606.